The following is an entry in ClinVar:

ClinVar aggregate classification (germline): Conflicting classifications of pathogenicity. Review status: criteria provided, conflicting classifications (1 of 4 stars). 2 submissions from 2 submitters: Uncertain significance (1); Likely benign (1). Last evaluated 2026-01-05.

Allele frequency attached by ClinVar (database versions not stated): gnomAD 0.00003; gnomAD exomes 0.00001; 1000 Genomes Project 30x 0.00016; 1000 Genomes Project 0.00020; ExAC 0.00002; TOPMed 0.00002.

Submissions (2):

Labcorp Genetics (formerly Invitae), Labcorp
Classification: Likely benign. Last evaluated: 2026-01-05. Review status: criteria provided, single submitter. Criteria: Invitae Variant Classification Sherloc (09022015). Collection method: clinical testing. Allele origin: germline.

Women's Health and Genetics/Laboratory Corporation of America, LabCorp
Classification: Uncertain significance. Last evaluated: 2023-12-14. Review status: criteria provided, single submitter. Criteria: LabCorp Variant Classification Summary - May 2015. Collection method: clinical testing. Allele origin: germline.
Comment: Variant summary: COL7A1 c.1334G>A (p.Arg445Gln) results in a conservative amino acid change located in the Fibronectin type III domain (IPR003961) of the encoded protein sequence. Three of five in-silico tools predict a damaging effect of the variant on protein function. The variant allele was found at a frequency of 2e-05 in 251408 control chromosomes. The available data on variant occurrences in the general population are insufficient to allow any conclusion about variant significance. To our knowledge, no occurrence of c.1334G>A in individuals affected with Dystrophic Epidermolysis Bullosa, Recessive and no experimental evidence demonstrating its impact on protein function have been reported. No submitters have cited clinical-significance assessments for this variant to ClinVar after 2014. Based on the evidence outlined above, the variant was classified as uncertain significance.

NM_000094.4(COL7A1):c.1334G>A (p.Arg445Gln)

Gene: COL7A1 (collagen type VII alpha 1 chain; minus strand). Cytogenetic location: 3p21.31.
Variant type: single nucleotide variant.
Coding change: c.1334G>A on transcript NM_000094.4 (MANE Select); coding-DNA position 1334, G replaced by A.
Protein change: p.Arg445Gln; replaces arginine 445 with glutamine.
Molecular consequence: missense variant.
Genome position (GRCh38, 1-based): chr3:48,591,921, C>T on the plus strand (G>A on the coding strand, the complement: COL7A1 is on the minus strand). VCF-style: chr3-48591921-C-T. GRCh37 (hg19) VCF-style: chr3-48629354-C-T.
Other names: short protein forms R445Q.
Identifiers: ClinVar variation 2691684 (VCV002691684.4), dbSNP rs528257059, ClinGen allele CA2381249.
Genomic context (GRCh38, chr3:48,591,921, plus strand): 5'-CTGACCCTTGCCTGTCCATCCCTTCCCCCGCACTGACCAGTCTCACGCCGCCATTCCAAC[C>T]GGTAGCCACGGGCCTCAGGCACCAAGTTCCAGGAAAGGAGGATGGATGTGGGGCCCAGGA-3'
Protein context (NP_000085.1, residues 435-455): WNLVPEARGY[Arg445Gln]LEWRRETGLE